The following is an entry in ClinVar:

NM_001199107.2(TBC1D24):c.116C>T (p.Ala39Val)

Gene: TBC1D24 (TBC1 domain family member 24; plus strand). Cytogenetic location: 16p13.3.
Variant type: single nucleotide variant.
Coding change: c.116C>T on transcript NM_001199107.2 (MANE Select); coding-DNA position 116, C replaced by T.
Protein change: p.Ala39Val; replaces alanine 39 with valine.
Molecular consequence: missense variant.
Genome position (GRCh38, 1-based): chr16:2,496,264, C>T. VCF-style: chr16-2496264-C-T. GRCh37 (hg19) VCF-style: chr16-2546265-C-T.
Other names: c.116C>T, p.Ala39Val (NM_020705.3); short protein forms A39V.
Identifiers: ClinVar variation 474302 (VCV000474302.20), dbSNP rs773916549, ClinGen allele CA7843924.

ClinVar aggregate classification (germline): Pathogenic. Review status: criteria provided, multiple submitters, no conflicts (2 of 4 stars). 8 submissions from 8 submitters: Pathogenic (7). 1 of the submissions does not count toward it. Last evaluated 2025-10-07.

Conditions:
Autosomal dominant nonsyndromic hearing loss 65. Also called: Deafness, autosomal dominant 65; TBC1D24-Related Autosomal Dominant Nonsyndromic Hearing Loss (DFNA). Identifiers: Orphanet 90635, MedGen C3892048, MONDO:0014470, OMIM 616044.
Developmental and epileptic encephalopathy, 1 (DEE1). Also called: OHTAHARA SYNDROME, X-LINKED; X-linked infantile spasms; West's syndrome; Tonic spasms with clustering, arrest of psychomotor development and hypsarrhythmia on EEG; X-Linked Infantile Spasm Syndrome; INFANTILE SPASM SYNDROME, X-LINKED 1. Identifiers: MedGen C3463992, MONDO:0010632, OMIM 308350. Disease mechanism: loss of function.
Developmental and epileptic encephalopathy, 16 (DEE16). Also called: TBC1D24-Related Developmental and Epileptic Encephalopathy (DEE); Early infantile epileptic encephalopathy 16. Identifiers: Orphanet 293181, Orphanet 352596, MedGen C3809173, MONDO:0014133, OMIM 615338.
Rolandic epilepsy-paroxysmal exercise-induced dystonia-writer's cramp syndrome. Also called: TBC1D24-Related Rolandic Epilepsy with Paroxysmal Exercise-Induced Dystonia and Writer's Cramp (EPRPDC); RE-PED-WC. Identifiers: Orphanet 163727, MedGen C1842531, MONDO:0011970, OMIM 608105.
Familial infantile myoclonic epilepsy (FIME). Also called: TBC1D24-Related Familial Infantile Myoclonic Epilepsy (FIME); Epilepsy, Myoclonic, Infantile. Identifiers: Orphanet 352582, MedGen C0917800, MONDO:0011506, OMIM 605021.
Autosomal recessive nonsyndromic hearing loss 86 (DFNB86). Also called: Deafness , autosomal recessive 86; TBC1D24-Related Autosomal Recessive Nonsyndromic Hearing Loss (DFNB). Identifiers: Orphanet 90636, MedGen C2829265, MONDO:0013826, OMIM 614617.
DOORS syndrome (DOORS). Also called: DOORS Syndrome (Deafness, Onychodystrophy, Osteodystrophy, Mental Retardation, and Seizures); DOOR SYNDROME; DRC SYNDROME; BRACHYDACTYLY DUE TO ABSENCE OF DISTAL PHALANGES; ERONEN SYNDROME; DEAFNESS, ONYCHODYSTROPHY, OSTEODYSTROPHY, IMPAIRED INTELLECTUAL DEVELOPMENT, AND SEIZURES SYNDROME. Identifiers: Orphanet 3231, Orphanet 79500, MedGen C0795934, MONDO:0009079, OMIM 220500. Disease mechanism: loss of function.
TBC1D24-related disorder. Also called: TBC1D24-related condition; TBC1D24-related disorders. Identifiers: MedGen CN381194.
Epilepsy. Also called: Seizure disorder. Identifiers: MedGen C0014544, MeSH D004827, MONDO:0005027.

Allele frequency attached by ClinVar (database versions not stated): TOPMed 0.00001.

Submissions (8):

PreventionGenetics, part of Exact Sciences
Classification: Pathogenic for TBC1D24-related condition. Last evaluated: 2025-10-07. Review status: criteria provided, single submitter. Criteria: ACMG Guidelines, 2015. Collection method: clinical testing. Allele origin: germline.
Comment: The TBC1D24 c.116C>T variant is predicted to result in the amino acid substitution p.Ala39Val. This variant was reported in the compound heterozygous state in individuals with epilepsy (Ragona et al. 2017. PubMed ID: 28292732; Wang et al. 2019. PubMed ID: 30776697; Zhang et al. 2019. PubMed ID: 31112829; Supplementary Table 2, Burgess et al. 2019. PubMed ID: 31618474; Zhao et al. 2022. PubMed ID: 35217970; Table S1, Miao et al. 2023. PubMed ID: 37329172; Table e-1, Balestrini et al. 2016. PubMed ID: 27281533). This variant is reported in 0.0029% of alleles in individuals of Latino descent in gnomAD. This variant is interpreted as pathogenic for autosomal recessive disease associated with TBC1D24.

Genesolutions, Medical Genetics Institutes, Ho Chi Minh City, Vietnam
Classification: Pathogenic for Developmental and epileptic encephalopathy, 16. Last evaluated: 2025-09-24. Review status: criteria provided, single submitter. Criteria: ACMG Guidelines, 2015. Collection method: clinical testing. Allele origin: germline. Affected: yes.

Victorian Clinical Genetics Services, Murdoch Childrens Research Institute
Classification: Pathogenic for Autosomal recessive nonsyndromic hearing loss 86. Last evaluated: 2024-09-22. Review status: criteria provided, single submitter. Criteria: ACMG Guidelines, 2015. Collection method: clinical testing. Allele origin: germline. Inheritance: Autosomal recessive inheritance. Affected: yes.
Comment: Based on the classification scheme VCGS_Germline_v1.3.4, this variant is classified as Pathogenic. Following criteria are met: 0102 - Loss of function is a known mechanism of disease in this gene and is associated with autosomal recessive deafness 86 (MIM#614617), DOORS syndrome (MIM#220500), epilepsy, rolandic, with proxysmal exercise-induce dystonia and writer's cramp (MIM#608105), developmental and epileptic encephalopathy 16 (MIM#615338) and familial, infantile myoclonic epilepsy (MIM#605021). Dominant negative or gain of function is suggested mechanism of autosomal dominant deafness, 65 (MIM#616044) (PMID: 27281533). (I) 0106 - This gene is associated with autosomal recessive disease. Autosomal dominant disease is a rare association. (I) 0200 - Variant is predicted to result in a missense amino acid change from alanine to valine. (I) 0251 - This variant is heterozygous. (I) 0304 - Variant is present in gnomAD (v2) <0.01 for a recessive condition (3 heterozygotes, 0 homozygotes). (SP) 0309 - Multiple alternative amino acid changes at the same position have been observed in gnomAD (v2) (highest allele count: 6 heterozygotes, 0 homozygotes). (I) 0502 - Missense variant with conflicting in silico predictions and uninformative conservation. (I) 0602 - Variant is located in a hotspot region or cluster of pathogenic variants (DECIPHER). (SP) 0801 - This variant has strong previous evidence of pathogenicity in unrelated individuals. This variant has been classified as pathogenic by clinical laboratories in ClinVar and has been observed in many individuals with TBC1D24-related conditions (PMIDs: 28292732, 31112829). (SP) 1201 - Heterozygous variant detected in trans with a second likely pathogenic heterozygous variant (c.877C>T; p.(Arg293Cys)) in a recessive disease. (I) Legend: (SP) - Supporting pathogenic, (I) - Information, (SB) - Supporting benign

Labcorp Genetics (formerly Invitae), Labcorp
Classification: Pathogenic for Developmental and epileptic encephalopathy, 1; Autosomal dominant nonsyndromic hearing loss 65. Last evaluated: 2022-08-30. Review status: criteria provided, single submitter. Criteria: Invitae Variant Classification Sherloc (09022015). Collection method: clinical testing. Allele origin: germline.
Comment: For these reasons, this variant has been classified as Pathogenic. This sequence change replaces alanine, which is neutral and non-polar, with valine, which is neutral and non-polar, at codon 39 of the TBC1D24 protein (p.Ala39Val). This variant is present in population databases (rs773916549, gnomAD 0.003%). This missense change has been observed in individual(s) with clinical features of autosomal recessive TBC1D24-related conditions (PMID: 28292732, 30776697, 31112829). In at least one individual the data is consistent with being in trans (on the opposite chromosome) from a pathogenic variant. ClinVar contains an entry for this variant (Variation ID: 474302). Advanced modeling of protein sequence and biophysical properties (such as structural, functional, and spatial information, amino acid conservation, physicochemical variation, residue mobility, and thermodynamic stability) performed at Invitae indicates that this missense variant is expected to disrupt TBC1D24 protein function. Algorithms developed to predict the effect of sequence changes on RNA splicing suggest that this variant may create or strengthen a splice site.

GeneDx
Classification: Pathogenic. Last evaluated: 2020-08-07. Review status: criteria provided, single submitter. Criteria: GeneDx Variant Classification Process June 2021. Collection method: clinical testing. Allele origin: germline. Affected: yes.
Comment: Not observed at a significant frequency in large population cohorts (Lek et al., 2016); In silico analysis, which includes protein predictors and evolutionary conservation, supports a deleterious effect; This variant is associated with the following publications: (PMID: 31618474, 31112829, 28292732, 30180405, 29429257, 30776697)

Juno Genomics, Hangzhou Juno Genomics, Inc
Classification: Pathogenic for DOORS syndrome; Autosomal recessive nonsyndromic hearing loss 86; Autosomal dominant nonsyndromic hearing loss 65; Developmental and epileptic encephalopathy, 16; Rolandic epilepsy-paroxysmal exercise-induced dystonia-writer's cramp syndrome; Familial infantile myoclonic epilepsy. Review status: criteria provided, single submitter. Criteria: ACMG Guidelines, 2015. Collection method: clinical testing. Allele origin: germline. Affected: yes.
Comment: Absent from controls (or at extremely low frequency if recessive) in Genome Aggregation Database, Exome Sequencing Project, 1000 Genomes Project, or Exome Aggregation Consortium.;For recessive disorders, detected in trans with a pathogenic variant.;Patient's phenotype or family history is highly specific for a disease with a single genetic etiology.

Solve-RD Consortium
Classification: Pathogenic for DOORS syndrome. Review status: criteria provided, single submitter. Criteria: ACMG Guidelines, 2015. Collection method: provider interpretation. Allele origin: germline. Inheritance: Autosomal recessive inheritance. Affected: yes. Study: Solve-RD DIFT-EpiCARE reanalysis.
Comment: PM3, PM2, PM5, PM1, PP5

Variant identified during reanalysis of unsolved cases by the Solve-RD project. The Solve-RD project has received funding from the European Union’s Horizon 2020 research and innovation programme under grant agreement No 779257.

Department of Reproductive Genetics, International Peace Maternity and Child Health Hospital, Shanghai Jiao Tong University School of Medicine
Classification: Pathogenic for Epilepsy. Last evaluated: 2025-05-01. Review status: no assertion criteria provided. Collection method: clinical testing. Allele origin: inherited. Affected: yes. Not counted in ClinVar's aggregate classification.
Comment: The NM_001199107.2(TBC1D24):c.116C>T(p.Ala39Val) variant causes a missense change involving the alteration of a conserved nucleotide. The variant allele was found at a frequency of 0.0000118 in 1,613,788 control chromosomes in the GnomAD database, with no homozygous occurrence. This variant has been reported in the literature as biallelic or a compound heterozygous state in multiple patients (PMID:31112829; 33063868;28292732).

Literature cited by the submitters: PubMed 27281533 (cited by Victorian Clinical Genetics Services, Murdoch Childrens Research Institute); PubMed 28292732 (cited by 3 submitters); PubMed 31112829 (cited by 3 submitters); PubMed 30776697 (cited by Labcorp Genetics (formerly Invitae), Labcorp); PubMed 33063868 (cited by Department of Reproductive Genetics, International Peace Maternity and Child Health Hospital, Shanghai Jiao Tong University School of Medicine).